The following is an entry in ClinVar:

NM_015268.4(DNAJC13):c.5202G>A (p.Ala1734=)

Gene: DNAJC13 (DnaJ heat shock protein family (Hsp40) member C13; plus strand). Cytogenetic location: 3q22.1.
Variant type: single nucleotide variant.
Coding change: c.5202G>A on transcript NM_015268.4 (MANE Select); coding-DNA position 5202, G replaced by A.
Protein change: p.Ala1734=; no amino-acid change (alanine 1734 retained).
Molecular consequence: synonymous variant.
Genome position (GRCh38, 1-based): chr3:132,511,153, G>A. VCF-style: chr3-132511153-G-A. GRCh37 (hg19) VCF-style: chr3-132229997-G-A.
Other names: p.Ala1734=; c.5217G>A, p.Ala1739= (NM_001329126.2).
Identifiers: ClinVar variation 3057582 (VCV003057582.3), dbSNP rs765144663, ClinGen allele CA2619772.

ClinVar aggregate classification (germline): Likely benign. Review status: criteria provided, single submitter (1 of 4 stars). 2 submissions from 2 submitters: Likely benign (1). 1 of the submissions does not count toward it. Last evaluated 2025-05-06.

Conditions:
DNAJC13-related disorder. Also called: DNAJC13-related condition.

Allele frequency attached by ClinVar (database versions not stated): ExAC 0.00011; gnomAD exomes 0.00009; gnomAD 0.00004; TOPMed 0.00009.
gnomAD v4.1: 145 of 1,613,706 alleles (0.009%); highest among the groups gnomAD compares: South Asian, 0.014%; no homozygotes.

Submissions (2):

Mayo Clinic Laboratories, Mayo Clinic
Classification: Likely benign. Last evaluated: 2025-05-06. Review status: criteria provided, single submitter. Criteria: ACMG Guidelines, 2015. Collection method: clinical testing. Allele origin: germline. Observed: 1 variant allele.
Comment: BP4, BP7

PreventionGenetics, part of Exact Sciences
Classification: Likely benign for DNAJC13-related condition. Last evaluated: 2019-03-29. Review status: no assertion criteria provided. Collection method: clinical testing. Allele origin: germline. Not counted in ClinVar's aggregate classification.
Comment: This variant is classified as likely benign based on ACMG/AMP sequence variant interpretation guidelines (Richards et al. 2015 PMID: 25741868, with internal and published modifications).